The following is an entry in ClinVar:

ClinVar aggregate classification (germline): Uncertain significance. Review status: criteria provided, multiple submitters, no conflicts (2 of 4 stars). 4 submissions from 4 submitters: Uncertain significance (4). Last evaluated 2026-07-30.

Conditions:
TTN-related disorder. Also called: TTN-related disorders; TTN-related condition; TTN-related disease.
Autosomal recessive limb-girdle muscular dystrophy type 2J (LGMDR10). Also called: Limb-girdle muscular dystrophy, type 2J; MUSCULAR DYSTROPHY, LIMB-GIRDLE, AUTOSOMAL RECESSIVE 10. Identifiers: Orphanet 140922, MedGen C1837342, MONDO:0012127, OMIM 608807.
Dilated cardiomyopathy 1G (CMD1G). Identifiers: Orphanet 154, MedGen C1858763, MONDO:0011400, OMIM 604145.

Allele frequency attached by ClinVar (database versions not stated): gnomAD 0.00001; TOPMed 0.00002; gnomAD exomes 0.00006; ExAC 0.00012.
gnomAD v4.1: 24 of 1,613,074 alleles (0.0015%); highest among the groups gnomAD compares: Admixed American, 0.0067%; no homozygotes.

Submissions (4):

PreventionGenetics, part of Exact Sciences
Classification: Uncertain significance for TTN-related condition. Last evaluated: 2026-07-30. Review status: criteria provided, single submitter. Criteria: ACMG Guidelines, 2015. Collection method: clinical testing. Allele origin: germline.
Comment: The TTN c.25144C>T variant is predicted to result in the amino acid substitution p.Arg8382Cys. To our knowledge, this variant has not been reported in the literature. This variant is reported in 0.011% of alleles in individuals of European (Non-Finnish) descent in gnomAD. At this time, the clinical significance of this variant is uncertain due to the absence of conclusive functional and genetic evidence.

ARUP Laboratories, Molecular Genetics and Genomics, ARUP Laboratories
Classification: Uncertain significance. Last evaluated: 2024-10-17. Review status: criteria provided, single submitter. Criteria: ARUP Molecular Germline Variant Investigation Process 2024. Collection method: clinical testing. Allele origin: germline.
Comment: The TTN c.25144C>T; p.Arg8382Cys variant (rs776519143 ; ClinVar Variation ID: 404693) is rare in the general population (<0.2% allele frequency in the Genome Aggregation Database) and has not been reported in the medical literature in association with dilated cardiomyopathy (DCM) or other TTN-related disease. The clinical relevance of rare missense variants in this gene, which are identified on average once per individual sequenced in affected populations (Herman 2012), is not well understood. Yet, evidence suggests that the vast majority of such missense variants do not contribute to the clinical outcome of DCM (Begay 2015). Thus, the clinical significance of the p.Arg8382Cys variant cannot be determined with certainty. References: Begay RL et al. Role of Titin Missense Variants in Dilated Cardiomyopathy. J Am Heart Assoc. 2015 Nov 13;4(11). PMID: 26567375. Herman DS et al. Truncations of titin causing dilated cardiomyopathy. N Engl J Med. 2012 Feb 16;366(7):619-28. PMID: 22335739. Linke WA and Hamdani N. Gigantic business: titin properties and function through thick and thin. Circ Res 2014; 114(6): 1052-1068. PMID: 24625729.

Revvity Omics, Revvity
Classification: Uncertain significance. Last evaluated: 2020-07-22. Review status: criteria provided, single submitter. Criteria: ACMG Guidelines, 2015. Collection method: clinical testing. Allele origin: germline.

Labcorp Genetics (formerly Invitae), Labcorp
Classification: Uncertain significance for Dilated cardiomyopathy 1G; Autosomal recessive limb-girdle muscular dystrophy type 2J. Last evaluated: 2016-11-18. Review status: criteria provided, single submitter. Criteria: Invitae Variant Classification Sherloc (09022015). Collection method: clinical testing. Allele origin: germline.

NM_001267550.2(TTN):c.25144C>T (p.Arg8382Cys)

Gene: TTN (titin; minus strand). Cytogenetic location: 2q31.2.
Variant type: single nucleotide variant.
Coding change: c.25144C>T on transcript NM_001267550.2 (MANE Select); coding-DNA position 25144, C replaced by T.
Protein change: p.Arg8382Cys; replaces arginine 8382 with cysteine.
Molecular consequence: missense variant. On other transcripts: intron variant (3).
Genome position (GRCh38, 1-based): chr2:178,717,730, G>A on the plus strand (C>T on the coding strand, the complement: TTN is on the minus strand). VCF-style: chr2-178717730-G-A. GRCh37 (hg19) VCF-style: chr2-179582457-G-A.
Other names: c.24193C>T, p.Arg8065Cys (NM_001256850.1); c.21412C>T, p.Arg7138Cys (NM_133378.4); c.13282+20352C>T (NM_003319.4); c.13858+20352C>T (NM_133437.4); c.13657+20352C>T (NM_133432.3); short protein forms R8382C, R8065C, R7138C.
Identifiers: ClinVar variation 404693 (VCV000404693.8), dbSNP rs776519143, ClinGen allele CA2000277.